The following is an entry in ClinVar:

NM_000135.4(FANCA):c.4344_4356del (p.Ser1449fs)

Genes: FANCA (FA complementation group A; minus strand), ZNF276 (zinc finger protein 276; plus strand). Cytogenetic location: 16q24.3.
Variant type: Deletion.
Coding change: c.4344_4356del on transcript NM_000135.4 (MANE Select); coding-DNA positions 4344 to 4356, 13 bases deleted (GTCCCAGGAGCCT).
Protein change: p.Ser1449fs; shifts the reading frame from serine 1449.
Molecular consequence: frameshift variant. On other transcripts: 3 prime UTR variant (3), non-coding transcript variant (4).
Genome position (GRCh38, 1-based): chr16:89,738,613-89,738,625, AGGCTCCTGGGAC deleted on the plus strand (GTCCCAGGAGCCT on the coding strand, the reverse complement: FANCA is on the minus strand); deleting any 13 consecutive bases within chr16:89,738,613-89,738,628 gives the same sequence; the c. name uses the placement nearest the transcript's 3' end. VCF-style (leftmost placement, unchanged base first): chr16-89738612-GAGGCTCCTGGGAC-G. GRCh37 (hg19) VCF-style: chr16-89805020-GAGGCTCCTGGGAC-G.
Other names: c.*73_*85del (NM_001286167.3); c.*370_*382del (NM_001113525.2, NM_152287.4); short protein forms S1449fs.
Identifiers: ClinVar variation 2164724 (VCV002164724.4), dbSNP rs2544072597, ClinGen allele CA2580092420.
Genomic context (GRCh38, chr16:89,738,612, plus strand): 5'-AATAAATTATTTACACGGGAGCTGGGCTGGTGTGCAGTGGCAGGTCCCGTCAGAAGAGAT[GAGGCTCCTGGGAC>G]AGGTCAGCGTCAGGGGCAGCCTGCTGTCTGCTCTGGAGGGCGGCGCTCACCTCTGGGTCG-3'

ClinVar aggregate classification (germline): Uncertain significance (1 of 4 stars; one submission).

Conditions:
Fanconi anemia (FA). Also called: Fanconi's anemia. Identifiers: Orphanet 84, MedGen C0015625, MeSH D005199, MONDO:0019391.

Submission:

Labcorp Genetics (formerly Invitae), Labcorp
Classification: Uncertain significance for Fanconi anemia. Last evaluated: 2022-01-12. Review status: criteria provided, single submitter. Criteria: Invitae Variant Classification Sherloc (09022015). Collection method: clinical testing. Allele origin: germline.
Comment: In summary, the available evidence is currently insufficient to determine the role of this variant in disease. Therefore, it has been classified as a Variant of Uncertain Significance. Experimental studies and prediction algorithms are not available or were not evaluated, and the functional significance of this variant is currently unknown. This variant has not been reported in the literature in individuals affected with FANCA-related conditions. This variant is not present in population databases (gnomAD no frequency). This sequence change results in a frameshift in the FANCA gene (p.Ser1449Ilefs*18). While this is not anticipated to result in nonsense mediated decay, it is expected to disrupt the last 7 amino acid(s) of the FANCA protein and extend the protein by 10 additional amino acid residues.